The following is an entry in ClinVar:

NM_001374736.1(DST):c.3128A>G (p.Tyr1043Cys)

Gene: DST (dystonin; minus strand). Cytogenetic location: 6p12.1.
Variant type: single nucleotide variant.
Coding change: c.3128A>G on transcript NM_001374736.1 (MANE Select); coding-DNA position 3128, A replaced by G.
Protein change: p.Tyr1043Cys; replaces tyrosine 1043 with cysteine.
Molecular consequence: missense variant.
Genome position (GRCh38, 1-based): chr6:56,635,647, T>C on the plus strand (A>G on the coding strand, the complement: DST is on the minus strand). VCF-style: chr6-56635647-T-C. GRCh37 (hg19) VCF-style: chr6-56500445-T-C.
Other names: c.3029A>G, p.Tyr1010Cys (NM_001144769.5); c.2615A>G, p.Tyr872Cys (NM_001144770.2); c.3128A>G, p.Tyr1043Cys (NM_001374722.1); c.2495A>G, p.Tyr832Cys (NM_001374729.1, NM_001374730.1, NM_001386100.1 and 1 more transcripts); c.3155A>G, p.Tyr1052Cys (NM_001374734.1); c.1517A>G, p.Tyr506Cys (NM_001723.7, NM_015548.5); short protein forms Y1010C, Y872C, Y1043C, Y1052C, Y506C, Y832C.
Identifiers: ClinVar variation 950958 (VCV000950958.10), dbSNP rs2098817436, ClinGen allele CA364576671.
Genomic context (GRCh38, chr6:56,635,647, plus strand): 5'-ACCATTGATTCCTGAACAAGGTCTTCTAGCTTGTGAATGCTGCTTGATCTATCACAGCTG[T>C]ACTTCCGCTGAATGGCATCTTTTAGATTCCTTAAGTAATCAGTAGCTTCTTTGGCATCAT-3'
Protein context (NP_001361665.1, residues 1033-1053): RNLKDAIQRK[Tyr1043Cys]SCDRSSSIHK

ClinVar aggregate classification (germline): Uncertain significance (1 of 4 stars; one submission).

Conditions:
Epidermolysis bullosa simplex 3, localized or generalized intermediate, with BP230 deficiency (EBS3). Also called: Epidermolysis bullosa simplex due to BP230 deficiency; Epidermolysis bullosa simplex, autosomal recessive 2. Identifiers: Orphanet 412181, MedGen C3809470, MONDO:0014180, OMIM 615425.
Hereditary sensory and autonomic neuropathy type 6. Also called: Neuropathy, hereditary sensory and autonomic, type VI; HSAN VI. Identifiers: Orphanet 314381, MedGen C3539003, MONDO:0013839, OMIM 614653.

Allele frequency attached by ClinVar (database versions not stated): gnomAD exomes below 0.00001.
gnomAD v4.1: 2 of 1,613,964 alleles (0.00012%); highest among the groups gnomAD compares: Non-Finnish European, 0.00017%; no homozygotes.

Submission:

Labcorp Genetics (formerly Invitae), Labcorp
Classification: Uncertain significance for Epidermolysis bullosa simplex 3, localized or generalized intermediate, with BP230 deficiency; Hereditary sensory and autonomic neuropathy type 6. Last evaluated: 2022-07-19. Review status: criteria provided, single submitter. Criteria: Invitae Variant Classification Sherloc (09022015). Collection method: clinical testing. Allele origin: germline.
Comment: In summary, the available evidence is currently insufficient to determine the role of this variant in disease. Therefore, it has been classified as a Variant of Uncertain Significance. Algorithms developed to predict the effect of missense changes on protein structure and function (SIFT, PolyPhen-2, Align-GVGD) all suggest that this variant is likely to be disruptive. ClinVar contains an entry for this variant (Variation ID: 950958). This variant has not been reported in the literature in individuals affected with DST-related conditions. This variant is not present in population databases (gnomAD no frequency). This sequence change replaces tyrosine, which is neutral and polar, with cysteine, which is neutral and slightly polar, at codon 506 of the DST protein (p.Tyr506Cys).